The following is an entry in ClinVar:

NM_052947.4(ALPK2):c.2908G>A (p.Asp970Asn)

Gene: ALPK2 (alpha kinase 2; minus strand). Cytogenetic location: 18q21.31.
Variant type: single nucleotide variant.
Coding change: c.2908G>A on transcript NM_052947.4 (MANE Select); coding-DNA position 2908, G replaced by A.
Protein change: p.Asp970Asn; replaces aspartic acid 970 with asparagine.
Molecular consequence: missense variant.
Genome position (GRCh38, 1-based): chr18:58,537,279, C>T on the plus strand (G>A on the coding strand, the complement: ALPK2 is on the minus strand). VCF-style: chr18-58537279-C-T. GRCh37 (hg19) VCF-style: chr18-56204511-C-T.
Other names: short protein forms D970N.
Identifiers: ClinVar variation 3531912 (VCV003531912.1).

ClinVar aggregate classification (germline): Uncertain significance (1 of 4 stars; one submission).

gnomAD v4.1: 1 of 1,614,182 alleles (0.000062%); highest among the groups gnomAD compares: Non-Finnish European, 0.000085%; no homozygotes.

Submission:

Ambry Genetics
Classification: Uncertain significance. Last evaluated: 2024-10-29. Review status: criteria provided, single submitter. Criteria: Ambry Variant Classification Scheme 2023. Collection method: clinical testing. Allele origin: germline.
Comment: The p.D970N variant (also known as c.2908G>A), located in coding exon 4 of the ALPK2 gene, results from a G to A substitution at nucleotide position 2908. The aspartic acid at codon 970 is replaced by asparagine, an amino acid with highly similar properties. This amino acid position is conserved. In addition, this alteration is predicted to be tolerated by in silico analysis. Based on the available evidence, the clinical significance of this variant remains unclear.